The following is an entry in ClinVar:

ClinVar aggregate classification (germline): Uncertain significance. Review status: criteria provided, multiple submitters, no conflicts (2 of 4 stars). 5 submissions from 3 submitters: Uncertain significance (5). Last evaluated 2024-07-08.

Conditions:
Nephronophthisis. Also called: Juvenile Nephronophthisis. Identifiers: Orphanet 655, MedGen C0687120, MONDO:0019005, HP:0000090.
Senior-Loken syndrome 1 (SLSN1). Also called: JUVENILE NEPHRONOPHTHISIS WITH LEBER AMAUROSIS. Identifiers: Orphanet 3156, MedGen C4551559, MONDO:0009962, OMIM 266900.
Joubert syndrome with renal defect. Also called: JOUBERT SYNDROME 4. Identifiers: Orphanet 220497, MedGen C1846790, MONDO:0012308, OMIM 609583.
Nephronophthisis 1 (NPHP1). Also called: Nephronophthisis familial juvenile. Identifiers: Orphanet 655, Orphanet 93592, MedGen C1855681, MONDO:0009728, OMIM 256100.

Allele frequency attached by ClinVar (database versions not stated): TOPMed below 0.00001; gnomAD exomes 0.00001.

Submissions (5):

GeneDx
Classification: Uncertain significance. Last evaluated: 2024-07-08. Review status: criteria provided, single submitter. Criteria: GeneDx Variant Classification Process June 2021. Collection method: clinical testing. Allele origin: germline. Affected: yes.
Comment: Not observed at significant frequency in large population cohorts (gnomAD); In silico analysis supports that this missense variant has a deleterious effect on protein structure/function; Has not been previously published as pathogenic or benign to our knowledge

Labcorp Genetics (formerly Invitae), Labcorp
Classification: Uncertain significance for Nephronophthisis. Last evaluated: 2022-08-19. Review status: criteria provided, single submitter. Criteria: Invitae Variant Classification Sherloc (09022015). Collection method: clinical testing. Allele origin: germline.
Comment: In summary, the available evidence is currently insufficient to determine the role of this variant in disease. Therefore, it has been classified as a Variant of Uncertain Significance. Algorithms developed to predict the effect of missense changes on protein structure and function are either unavailable or do not agree on the potential impact of this missense change (SIFT: "Deleterious"; PolyPhen-2: "Probably Damaging"; Align-GVGD: "Class C0"). ClinVar contains an entry for this variant (Variation ID: 892675). This variant has not been reported in the literature in individuals affected with NPHP1-related conditions. This variant is not present in population databases (gnomAD no frequency). This sequence change replaces tyrosine, which is neutral and polar, with cysteine, which is neutral and slightly polar, at codon 46 of the NPHP1 protein (p.Tyr46Cys).

Illumina Laboratory Services, Illumina
Classification: Uncertain significance for Senior-Loken syndrome 1. Last evaluated: 2018-01-13. Review status: criteria provided, single submitter. Criteria: ICSL Variant Classification Criteria 13 December 2019. Collection method: clinical testing. Allele origin: germline.

Illumina Laboratory Services, Illumina
Classification: Uncertain significance for Joubert syndrome with renal defect. Last evaluated: 2018-01-13. Review status: criteria provided, single submitter. Criteria: ICSL Variant Classification Criteria 13 December 2019. Collection method: clinical testing. Allele origin: germline.

Illumina Laboratory Services, Illumina
Classification: Uncertain significance for Nephronophthisis 1. Last evaluated: 2018-01-13. Review status: criteria provided, single submitter. Criteria: ICSL Variant Classification Criteria 13 December 2019. Collection method: clinical testing. Allele origin: germline.

NM_001128178.3(NPHP1):c.137A>G (p.Tyr46Cys)

Gene: NPHP1 (nephrocystin 1; minus strand). Cytogenetic location: 2q13.
Variant type: single nucleotide variant.
Coding change: c.137A>G on transcript NM_001128178.3 (MANE Select); coding-DNA position 137, A replaced by G.
Protein change: p.Tyr46Cys; replaces tyrosine 46 with cysteine.
Molecular consequence: missense variant.
Genome position (GRCh38, 1-based): chr2:110,201,427, T>C on the plus strand (A>G on the coding strand, the complement: NPHP1 is on the minus strand). VCF-style: chr2-110201427-T-C. GRCh37 (hg19) VCF-style: chr2-110959004-T-C.
Other names: c.137A>G, p.Tyr46Cys (NM_000272.5, NM_001128179.3, NM_001374256.1 and 2 more transcripts); short protein forms Y46C.
Identifiers: ClinVar variation 892675 (VCV000892675.14), dbSNP rs1212780955, ClinGen allele CA348094067.
Genomic context (GRCh38, chr2:110,201,427, plus strand): 5'-CATTGAAATGTAAGTGCGGTTCCTGTAAAGCTTATATAATTTAGCATACTTTACCTTTGA[T>C]AAATATGTTGTCTTTTATTGGGTTCTAGAGCTTCTTTCAGTTGGCTCTCAGAAAGCAAAC-3'
Protein context (NP_001121650.1, residues 36-56): ALEPNKRQHI[Tyr46Cys]QRCIQLKQAI